The following is an entry in ClinVar:

NM_000414.4(HSD17B4):c.1037T>C (p.Met346Thr)

Gene: HSD17B4 (hydroxysteroid 17-beta dehydrogenase 4; plus strand). Cytogenetic location: 5q23.1.
Variant type: single nucleotide variant.
Coding change: c.1037T>C on transcript NM_000414.4 (MANE Select); coding-DNA position 1037, T replaced by C.
Protein change: p.Met346Thr; replaces methionine 346 with threonine.
Molecular consequence: missense variant. On other transcripts: non-coding transcript variant (2).
Genome position (GRCh38, 1-based): chr5:119,499,381, T>C. VCF-style: chr5-119499381-T-C. GRCh37 (hg19) VCF-style: chr5-118835076-T-C.
Other names: c.1112T>C, p.Met371Thr (NM_001199291.3); c.983T>C, p.Met328Thr (NM_001199292.2); c.965T>C, p.Met322Thr (NM_001292027.2); c.617T>C, p.Met206Thr (NM_001292028.2); c.1028T>C, p.Met343Thr (NM_001374497.1); c.1037T>C, p.Met346Thr (NM_001374498.1); c.710T>C, p.Met237Thr (NM_001374499.1); c.596T>C, p.Met199Thr (NM_001374500.1); and 1 more; short protein forms M209T, M343T, M237T, M199T, M328T, M206T, M322T, M346T.
Identifiers: ClinVar variation 2163127 (VCV002163127.4), dbSNP rs1379364772, ClinGen allele CA360867986.

ClinVar aggregate classification (germline): Uncertain significance (1 of 4 stars; one submission).

Conditions:
Bifunctional peroxisomal enzyme deficiency (DBIF). Also called: DBP DEFICIENCY; PBFE DEFICIENCY; D-bifunctional protein deficiency. Identifiers: Orphanet 300, MedGen C0342870, MONDO:0009855, OMIM 261515. Disease mechanism: loss of function.
Perrault syndrome. Also called: Gonadal dysgenesis with auditory dysfunction, autosomal recessive inheritance. Identifiers: Orphanet 2855, MedGen C0685838, MONDO:0017312.

Allele frequency attached by ClinVar (database versions not stated): gnomAD exomes 0.00001.
gnomAD v4.1: 20 of 1,613,974 alleles (0.0012%); highest among the groups gnomAD compares: Non-Finnish European, 0.0016%; no homozygotes.

Submission:

Labcorp Genetics (formerly Invitae), Labcorp
Classification: Uncertain significance for Perrault syndrome; Bifunctional peroxisomal enzyme deficiency. Last evaluated: 2023-07-07. Review status: criteria provided, single submitter. Criteria: Invitae Variant Classification Sherloc (09022015). Collection method: clinical testing. Allele origin: germline.
Comment: This sequence change replaces methionine, which is neutral and non-polar, with threonine, which is neutral and polar, at codon 346 of the HSD17B4 protein (p.Met346Thr). In summary, the available evidence is currently insufficient to determine the role of this variant in disease. Therefore, it has been classified as a Variant of Uncertain Significance. Advanced modeling of protein sequence and biophysical properties (such as structural, functional, and spatial information, amino acid conservation, physicochemical variation, residue mobility, and thermodynamic stability) has been performed at Invitae for this missense variant, however the output from this modeling did not meet the statistical confidence thresholds required to predict the impact of this variant on HSD17B4 protein function. ClinVar contains an entry for this variant (Variation ID: 2163127). This variant has not been reported in the literature in individuals affected with HSD17B4-related conditions. This variant is present in population databases (no rsID available, gnomAD 0.0009%).